The following is an entry in ClinVar:

ClinVar aggregate classification (germline): Uncertain significance (1 of 4 stars; one submission).

Conditions:
Leigh syndrome (NULS). Also called: Leigh's necrotizing encephalopathy; Leigh's disease; Leigh Syndrome (mtDNA deletion); Leigh Disease; Subacute necrotizing encephalopathy; Necrotizing encephalopathy infantile subacute of Leigh. Identifiers: Orphanet 506, MedGen C2931891, MONDO:0009723, OMIM 256000.

Submission:

Wong Mito Lab, Molecular and Human Genetics, Baylor College of Medicine
Classification: Uncertain significance for Leigh syndrome. Last evaluated: 2019-10-17. Review status: criteria provided, single submitter. Criteria: Modified ACMG Guidelines (Unpublished). Collection method: clinical testing. Allele origin: germline.
Comment: The NC_012920.1:m.6856T>C (YP_003024028.1:p.Val318Ala) variant in MTCO1 gene is interpretated to be a Uncertain Significance variant based on the modified ACMG guidelines (unpublished). This variant meets the following evidence codes: PP3, PP7

NC_012920.1(MT-CO1):m.6856T>C

Gene: MT-CO1 (mitochondrially encoded cytochrome c oxidase I; plus strand).
Variant type: single nucleotide variant.
Genome position: chrM-6856-T-C.
Identifiers: ClinVar variation 692677 (VCV000692677.1), dbSNP rs1603220654, ClinGen allele CA414786811.